The following is an entry in ClinVar:

ClinVar aggregate classification (germline): Benign/Likely benign. Review status: criteria provided, multiple submitters, no conflicts (2 of 4 stars). 6 submissions from 6 submitters: Benign (1); Likely benign (5). Last evaluated 2025-11-12.

Conditions:
Familial cancer of breast. Also called: BREAST CANCER, FAMILIAL; hereditary breast carcinoma; Hereditary breast cancer. Identifiers: Orphanet 227535, MedGen C0346153, MONDO:0016419, OMIM 114480. Disease mechanism: loss of function.
Fanconi anemia complementation group J. Also called: BRIP1-Related Fanconi Anemia. Identifiers: Orphanet 84, MedGen C1836860, MONDO:0012187, OMIM 609054.
Hereditary cancer-predisposing syndrome. Also called: Tumor predisposition; Hereditary Cancer Syndrome; Neoplastic Syndromes, Hereditary; Hereditary neoplastic syndrome. Identifiers: Orphanet 140162, MedGen C0027672, MeSH D009386, MONDO:0015356.

Allele frequency attached by ClinVar (database versions not stated): gnomAD exomes below 0.00001; gnomAD 0.00001; TOPMed 0.00001.
gnomAD v4.1: 3 of 1,613,790 alleles (0.00019%); highest among the groups gnomAD compares: African/African-American, 0.0013%; no homozygotes.

Submissions (6):

Labcorp Genetics (formerly Invitae), Labcorp
Classification: Likely benign for Familial cancer of breast; Fanconi anemia complementation group J. Last evaluated: 2025-11-12. Review status: criteria provided, single submitter. Criteria: Invitae Variant Classification Sherloc (09022015). Collection method: clinical testing. Allele origin: germline.

Myriad Genetics, Inc.
Classification: Benign for Familial cancer of breast. Last evaluated: 2024-08-22. Review status: criteria provided, single submitter. Criteria: Myriad Autosomal Dominant, Autosomal Recessive and X-Linked Classification Criteria (2023). Collection method: clinical testing. Allele origin: unknown.
Comment: This variant is considered benign. This variant is a silent/synonymous amino acid change and it is not expected to impact splicing.

Sema4
Classification: Likely benign for Hereditary cancer-predisposing syndrome. Last evaluated: 2022-02-09. Review status: criteria provided, single submitter. Criteria: Sema4 Curation Guidelines. Collection method: curation. Allele origin: germline.

GeneDx
Classification: Likely benign. Last evaluated: 2020-01-29. Review status: criteria provided, single submitter. Criteria: GeneDx Variant Classification Process June 2021. Collection method: clinical testing. Allele origin: germline. Affected: yes.
Comment: See Variant Classification Assertion Criteria.

Color Diagnostics, LLC DBA Color Health
Classification: Likely benign for Hereditary cancer-predisposing syndrome. Last evaluated: 2018-10-17. Review status: criteria provided, single submitter. Criteria: ACMG Guidelines, 2015. Collection method: clinical testing. Allele origin: germline.

Ambry Genetics
Classification: Likely benign for Hereditary cancer-predisposing syndrome. Last evaluated: 2017-02-01. Review status: criteria provided, single submitter. Criteria: Ambry Variant Classification Scheme 2023. Collection method: clinical testing. Allele origin: germline.

NM_032043.3(BRIP1):c.1023C>T (p.Val341=)

Gene: BRIP1 (BRCA1 interacting DNA helicase 1; minus strand). Cytogenetic location: 17q23.2.
Variant type: single nucleotide variant.
Coding change: c.1023C>T on transcript NM_032043.3 (MANE Select); coding-DNA position 1023, C replaced by T.
Protein change: p.Val341=; no amino-acid change (valine 341 retained).
Molecular consequence: synonymous variant.
Genome position (GRCh38, 1-based): chr17:61,801,370, G>A on the plus strand (C>T on the coding strand, the complement: BRIP1 is on the minus strand). VCF-style: chr17-61801370-G-A. GRCh37 (hg19) VCF-style: chr17-59878731-G-A.
Identifiers: ClinVar variation 748093 (VCV000748093.20), dbSNP rs957014406, ClinGen allele CA292286099.